The following is an entry in ClinVar:

ClinVar aggregate classification (germline): Uncertain significance. Review status: criteria provided, multiple submitters, no conflicts (2 of 4 stars). 2 submissions from 2 submitters: Uncertain significance (2). Last evaluated 2024-09-30.

gnomAD v4.1: 63 of 1,366,518 alleles (0.0046%); highest among the groups gnomAD compares: Middle Eastern, 0.042%; no homozygotes.

Submissions (2):

Ambry Genetics
Classification: Uncertain significance. Last evaluated: 2024-09-30. Review status: criteria provided, single submitter. Criteria: Ambry Variant Classification Scheme 2023. Collection method: clinical testing. Allele origin: germline.

Labcorp Genetics (formerly Invitae), Labcorp
Classification: Uncertain significance. Last evaluated: 2023-12-11. Review status: criteria provided, single submitter. Criteria: Invitae Variant Classification Sherloc (09022015). Collection method: clinical testing. Allele origin: germline.
Comment: This sequence change replaces valine, which is neutral and non-polar, with isoleucine, which is neutral and non-polar, at codon 532 of the ZNF341 protein (p.Val532Ile). This variant is present in population databases (rs772568773, gnomAD 0.005%). This variant has not been reported in the literature in individuals affected with ZNF341-related conditions. ClinVar contains an entry for this variant (Variation ID: 1467825). Algorithms developed to predict the effect of missense changes on protein structure and function output the following: SIFT: "Not Available"; PolyPhen-2: "Benign"; Align-GVGD: "Not Available". The isoleucine amino acid residue is found in multiple mammalian species, which suggests that this missense change does not adversely affect protein function. In summary, the available evidence is currently insufficient to determine the role of this variant in disease. Therefore, it has been classified as a Variant of Uncertain Significance.

NM_001282933.2(ZNF341):c.1615G>A (p.Val539Ile)

Gene: ZNF341 (zinc finger protein 341; plus strand). Cytogenetic location: 20q11.22.
Variant type: single nucleotide variant.
Coding change: c.1615G>A on transcript NM_001282933.2 (MANE Select); coding-DNA position 1615, G replaced by A.
Protein change: p.Val539Ile; replaces valine 539 with isoleucine.
Molecular consequence: missense variant. On other transcripts: non-coding transcript variant (1).
Genome position (GRCh38, 1-based): chr20:33,770,285, G>A. VCF-style: chr20-33770285-G-A. GRCh37 (hg19) VCF-style: chr20-32358091-G-A.
Other names: c.1345G>A, p.Val449Ile (NM_001282935.2); c.1594G>A, p.Val532Ile (NM_032819.5); c.1594G>A (NM_032819.3); short protein forms V449I, V539I, V532I.
Identifiers: ClinVar variation 1467825 (VCV001467825.8), dbSNP rs772568773, ClinGen allele CA9819488.